The following is an entry in ClinVar:

ClinVar aggregate classification (germline): Uncertain significance. Review status: criteria provided, multiple submitters, no conflicts (2 of 4 stars). 3 submissions from 3 submitters: Uncertain significance (3). Last evaluated 2025-06-12.

Conditions:
Upshaw-Schulman syndrome (TTP). Also called: THROMBOTIC THROMBOCYTOPENIC PURPURA, HEREDITARY; Congenital thrombotic thrombocytopenic purpura. Identifiers: Orphanet 93583, MedGen C1268935, MONDO:0010122, OMIM 274150.

Allele frequency attached by ClinVar (database versions not stated): gnomAD exomes 0.00002; gnomAD 0.00004 and 0.00005; TOPMed 0.00004.
gnomAD v4.1: 39 of 1,613,848 alleles (0.0024%); highest among the groups gnomAD compares: African/African-American, 0.0053%; no homozygotes.

Submissions (3):

Labcorp Genetics (formerly Invitae), Labcorp
Classification: Uncertain significance. Last evaluated: 2025-06-12. Review status: criteria provided, single submitter. Criteria: Invitae Variant Classification Sherloc (09022015). Collection method: clinical testing. Allele origin: germline.
Comment: This sequence change falls in intron 5 of the ADAMTS13 gene. It does not directly change the encoded amino acid sequence of the ADAMTS13 protein. It affects a nucleotide within the consensus splice site. This variant is present in population databases (no rsID available, gnomAD 0.004%). This variant has not been reported in the literature in individuals affected with ADAMTS13-related conditions. ClinVar contains an entry for this variant (Variation ID: 365537). Variants that disrupt the consensus splice site are a relatively common cause of aberrant splicing (PMID: 17576681, 9536098). Algorithms developed to predict the effect of sequence changes on RNA splicing suggest that this variant is not likely to affect RNA splicing. In summary, the available evidence is currently insufficient to determine the role of this variant in disease. Therefore, it has been classified as a Variant of Uncertain Significance.

Fulgent Genetics
Classification: Uncertain significance for Upshaw-Schulman syndrome. Last evaluated: 2022-02-07. Review status: criteria provided, single submitter. Criteria: ACMG Guidelines, 2015. Collection method: clinical testing. Allele origin: unknown.

Illumina Laboratory Services, Illumina
Classification: Uncertain significance for Upshaw-Schulman syndrome. Last evaluated: 2018-01-13. Review status: criteria provided, single submitter. Criteria: ICSL Variant Classification Criteria 13 December 2019. Collection method: clinical testing. Allele origin: germline.

Literature cited by the submitters: PubMed 17576681 (cited by Labcorp Genetics (formerly Invitae), Labcorp); PubMed 9536098 (cited by Labcorp Genetics (formerly Invitae), Labcorp).

NM_139027.6(ADAMTS13):c.540-3G>A

Gene: ADAMTS13 (ADAM metallopeptidase with thrombospondin type 1 motif 13; plus strand). Cytogenetic location: 9q34.2.
Variant type: single nucleotide variant.
Coding change: c.540-3G>A on transcript NM_139027.6 (MANE Select); 3 bases into the intron before coding-DNA position 540, G replaced by A.
Molecular consequence: intron variant.
Genome position (GRCh38, 1-based): chr9:133,426,196, G>A. VCF-style: chr9-133426196-G-A. GRCh37 (hg19) VCF-style: chr9-136291316-G-A.
Other names: c.540-3G>A (NM_139025.5, NM_139026.6).
Identifiers: ClinVar variation 365537 (VCV000365537.10), dbSNP rs886063631, ClinGen allele CA10632729.
Genomic context (GRCh38, chr9:133,426,196, plus strand): 5'-AAGGTGACCCCAGGGCAGGCACGTGCCTTGGCACCACCCAAGTGACTGTTTTCTCTCACC[G>A]AGGTTTGACCTGGAGTTGCCTGATGGTAACCGGCAGGTGCGGGGCGTCACCCAGCTGGGC-3'